The following is an entry in ClinVar:

NM_001370259.2(MEN1):c.646del (p.Ala216fs)

Gene: MEN1 (menin 1; minus strand). Cytogenetic location: 11q13.1.
Variant type: Deletion.
Coding change: c.646del on transcript NM_001370259.2 (MANE Select); coding-DNA position 646, one base deleted (G; older notation c.646delG).
Protein change: p.Ala216fs; shifts the reading frame from alanine 216.
Molecular consequence: frameshift variant. On other transcripts: intron variant (2).
Genome position (GRCh38, 1-based): chr11:64,807,899, C deleted on the plus strand (G on the coding strand, the reverse complement: MEN1 is on the minus strand); the first of 2 consecutive C bases (chr11:64,807,899-64,807,900); deleting either gives the same sequence. VCF-style (leftmost placement, unchanged base first): chr11-64807898-GC-G. GRCh37 (hg19) VCF-style: chr11-64575370-GC-G.
Other names: c.661del, p.Ala221fs (NM_000244.4, NM_130800.3, NM_130801.3 and 3 more transcripts); c.646del, p.Ala216fs (NM_001370251.2, NM_001370260.2, NM_001370261.2 and 1 more transcripts); c.549+97del (NM_001370263.2, NM_001370262.2); short protein forms A216fs, A221fs.
Identifiers: ClinVar variation 1358663 (VCV001358663.7), dbSNP rs2136148702, ClinGen allele CA2573147358.

ClinVar aggregate classification (germline): Pathogenic (1 of 4 stars; one submission).

Conditions:
Multiple endocrine neoplasia, type 1 (MEN1). Also called: MEA I; MEN I; WERMER SYNDROME; Endocrine adenomatosis multiple; MEN 1. Identifiers: Orphanet 652, MedGen C0025267, MeSH D018761, MONDO:0007540, OMIM 131100.

Submission:

Labcorp Genetics (formerly Invitae), Labcorp
Classification: Pathogenic for Multiple endocrine neoplasia, type 1. Last evaluated: 2021-04-16. Review status: criteria provided, single submitter. Criteria: Invitae Variant Classification Sherloc (09022015). Collection method: clinical testing. Allele origin: germline.
Comment: This variant is not present in population databases (ExAC no frequency). This variant has not been reported in the literature in individuals with MEN1-related conditions. For these reasons, this variant has been classified as Pathogenic. This sequence change creates a premature translational stop signal (p.Ala216Leufs*8) in the MEN1 gene. It is expected to result in an absent or disrupted protein product. Loss-of-function variants in MEN1 are known to be pathogenic (PMID: 12112656, 17853334).

Literature cited by the submitters: PubMed 12112656; PubMed 17853334.